The following is an entry in ClinVar:

NM_001184.4(ATR):c.1A>T (p.Met1Leu)

Gene: ATR (ATR checkpoint kinase; minus strand). Cytogenetic location: 3q23.
Variant type: single nucleotide variant.
Coding change: c.1A>T on transcript NM_001184.4 (MANE Select); coding-DNA position 1, A replaced by T.
Protein change: p.Met1Leu; changes the start codon (methionine 1).
Molecular consequence: missense variant, initiator codon variant.
Genome position (GRCh38, 1-based): chr3:142,578,704, T>A on the plus strand (A>T on the coding strand, the complement: ATR is on the minus strand). VCF-style: chr3-142578704-T-A. GRCh37 (hg19) VCF-style: chr3-142297546-T-A.
Other names: c.1A>T, p.Met1Leu (NM_001354579.2); short protein forms M1L.
Identifiers: ClinVar variation 3653080 (VCV003653080.2).

ClinVar aggregate classification (germline): Uncertain significance (1 of 4 stars; one submission).

Submission:

Labcorp Genetics (formerly Invitae), Labcorp
Classification: Uncertain significance. Last evaluated: 2024-05-12. Review status: criteria provided, single submitter. Criteria: Invitae Variant Classification Sherloc (09022015). Collection method: clinical testing. Allele origin: germline.
Comment: This sequence change affects the initiator methionine of the ATR mRNA. The next in-frame methionine is located at codon 11. This variant is not present in population databases (gnomAD no frequency). This variant has not been reported in the literature in individuals affected with ATR-related conditions. Experimental studies and prediction algorithms are not available or were not evaluated, and the functional significance of this variant is currently unknown. In summary, the available evidence is currently insufficient to determine the role of this variant in disease. Therefore, it has been classified as a Variant of Uncertain Significance.